The following is an entry in ClinVar:

ClinVar aggregate classification (germline): Uncertain significance (1 of 4 stars; one submission).

Allele frequency attached by ClinVar (database versions not stated): gnomAD 0.00001.
gnomAD v4.1: 9 of 1,474,438 alleles (0.00061%); highest among the groups gnomAD compares: Non-Finnish European, 0.00081%; no homozygotes.

Submission:

Labcorp Genetics (formerly Invitae), Labcorp
Classification: Uncertain significance. Last evaluated: 2022-12-02. Review status: criteria provided, single submitter. Criteria: Invitae Variant Classification Sherloc (09022015). Collection method: clinical testing. Allele origin: germline.
Comment: In summary, the available evidence is currently insufficient to determine the role of this variant in disease. Therefore, it has been classified as a Variant of Uncertain Significance. Algorithms developed to predict the effect of missense changes on protein structure and function are either unavailable or do not agree on the potential impact of this missense change (SIFT: "Deleterious"; PolyPhen-2: "Not Available"; Align-GVGD: "Class C0"). This variant has not been reported in the literature in individuals affected with ARID1B-related conditions. This variant is not present in population databases (gnomAD no frequency). This sequence change replaces glycine, which is neutral and non-polar, with alanine, which is neutral and non-polar, at codon 168 of the ARID1B protein (p.Gly168Ala).

NM_001374828.1(ARID1B):c.752G>C (p.Gly251Ala)

Genes: ARID1B (AT-rich interaction domain 1B; plus strand), LOC115308161 (uncharacterized LOC115308161; minus strand), LOC129997525 (ATAC-STARR-seq lymphoblastoid silent region 17712; plus strand). Cytogenetic location: 6q25.3.
Variant type: single nucleotide variant.
Coding change: c.752G>C on transcript NM_001374828.1 (MANE Select); coding-DNA position 752, G replaced by C.
Protein change: p.Gly251Ala; replaces glycine 251 with alanine.
Molecular consequence: missense variant. On other transcripts: non-coding transcript variant (1).
Genome position (GRCh38, 1-based): chr6:156,778,432, G>C. VCF-style: chr6-156778432-G-C. GRCh37 (hg19) VCF-style: chr6-157099566-G-C.
Other names: c.503G>C, p.Gly168Ala (NM_001346813.1, NM_020732.3); c.752G>C, p.Gly251Ala (NM_001371656.1, NM_001374820.1, NM_017519.3); c.329G>C, p.Gly110Ala (NM_175863.2); short protein forms G110A, G168A, G251A.
Identifiers: ClinVar variation 2419583 (VCV002419583.7), dbSNP rs1022306360, ClinGen allele CA366382031.